The following is an entry in ClinVar:

NM_017636.4(TRPM4):c.686A>G (p.Tyr229Cys)

Gene: TRPM4 (transient receptor potential cation channel subfamily M member 4; plus strand). Cytogenetic location: 19q13.33.
Variant type: single nucleotide variant.
Coding change: c.686A>G on transcript NM_017636.4 (MANE Select); coding-DNA position 686, A replaced by G.
Protein change: p.Tyr229Cys; replaces tyrosine 229 with cysteine.
Molecular consequence: missense variant. On other transcripts: 5 prime UTR variant (2).
Genome position (GRCh38, 1-based): chr19:49,168,626, A>G. VCF-style: chr19-49168626-A-G. GRCh37 (hg19) VCF-style: chr19-49671883-A-G.
Other names: c.686A>G, p.Tyr229Cys (NM_001195227.2); c.341A>G, p.Tyr114Cys (NM_001321281.2); c.-868A>G (NM_001321282.2); c.164A>G, p.Tyr55Cys (NM_001321283.2); c.-164A>G (NM_001321285.2); short protein forms Y229C, Y114C, Y55C.
Identifiers: ClinVar variation 4736534 (VCV004736534.1).

ClinVar aggregate classification (germline): Uncertain significance (1 of 4 stars; one submission).

Conditions:
Progressive familial heart block type IB (PFHB1B). Identifiers: Orphanet 871, MedGen C1970298, MONDO:0011474, OMIM 604559.

Submission:

Labcorp Genetics (formerly Invitae), Labcorp
Classification: Uncertain significance for Progressive familial heart block type IB. Last evaluated: 2026-02-01. Review status: criteria provided, single submitter. Criteria: Invitae Variant Classification Sherloc (09022015). Collection method: clinical testing. Allele origin: germline.
Comment: This sequence change replaces tyrosine, which is neutral and polar, with cysteine, which is neutral and slightly polar, at codon 229 of the TRPM4 protein (p.Tyr229Cys). This variant is not present in population databases (gnomAD no frequency). This variant has not been reported in the literature in individuals affected with TRPM4-related conditions. An algorithm developed to predict the effect of missense changes on protein structure and function (PolyPhen-2) suggests that this variant is likely to be disruptive. In summary, the available evidence is currently insufficient to determine the role of this variant in disease. Therefore, it has been classified as a Variant of Uncertain Significance.